The following is an entry in ClinVar:

NM_012123.4(MTO1):c.1966A>C (p.Asn656His)

Gene: MTO1 (mitochondrial tRNA translation optimization 1; plus strand). Cytogenetic location: 6q13.
Variant type: single nucleotide variant.
Coding change: c.1966A>C on transcript NM_012123.4 (MANE Select); coding-DNA position 1966, A replaced by C.
Protein change: p.Asn656His; replaces asparagine 656 with histidine.
Molecular consequence: missense variant.
Genome position (GRCh38, 1-based): chr6:73,500,622, A>C. VCF-style: chr6-73500622-A-C. GRCh37 (hg19) VCF-style: chr6-74210345-A-C.
Other names: c.2086A>C, p.Asn696His (NM_001123226.2); c.2041A>C, p.Asn681His (NM_133645.3); short protein forms N656H, N696H, N681H.
Identifiers: ClinVar variation 2072782 (VCV002072782.2), dbSNP rs992231257, ClinGen allele CA364701803.
Genomic context (GRCh38, chr6:73,500,622, plus strand): 5'-ATTGATTTTTAGATCGGGGCTGCTAGTCGCATACCCGGAGTAACACCTGCCGCCATCATC[A>C]ATCTGCTGAGATTTGTGAAGACCACTCAACGAAGACAGTCGGCTATGAATGAATCATCCA-3'
Protein context (NP_036255.2, residues 646-666): IPGVTPAAII[Asn656His]LLRFVKTTQR

ClinVar aggregate classification (germline): Uncertain significance (1 of 4 stars; one submission).

Conditions:
Mitochondrial hypertrophic cardiomyopathy with lactic acidosis due to MTO1 deficiency. Also called: CARDIOMYOPATHY, INFANTILE HYPERTROPHIC MITOCHONDRIAL, AND LACTIC ACIDOSIS; Combined oxidative phosphorylation deficiency 10. Identifiers: Orphanet 314637, MedGen C4749921, MONDO:0013865, OMIM 614702.

Allele frequency attached by ClinVar (database versions not stated): TOPMed below 0.00001; gnomAD 0.00001.
gnomAD v4.1: 2 of 1,613,952 alleles (0.00012%); highest among the groups gnomAD compares: African/African-American, 0.0013%; no homozygotes.

Submission:

Labcorp Genetics (formerly Invitae), Labcorp
Classification: Uncertain significance for Mitochondrial hypertrophic cardiomyopathy with lactic acidosis due to MTO1 deficiency. Last evaluated: 2022-08-04. Review status: criteria provided, single submitter. Criteria: Invitae Variant Classification Sherloc (09022015). Collection method: clinical testing. Allele origin: germline.
Comment: In summary, the available evidence is currently insufficient to determine the role of this variant in disease. Therefore, it has been classified as a Variant of Uncertain Significance. Algorithms developed to predict the effect of missense changes on protein structure and function are either unavailable or do not agree on the potential impact of this missense change (SIFT: "Tolerated"; PolyPhen-2: "Possibly Damaging"; Align-GVGD: "Class C0"). This variant has not been reported in the literature in individuals affected with MTO1-related conditions. This variant is present in population databases (no rsID available, gnomAD 0.01%). This sequence change replaces asparagine, which is neutral and polar, with histidine, which is basic and polar, at codon 656 of the MTO1 protein (p.Asn656His).